The following is an entry in ClinVar:

NM_000238.4(KCNH2):c.275G>T (p.Arg92Leu)

Gene: KCNH2 (potassium voltage-gated channel subfamily H member 2; minus strand). Cytogenetic location: 7q36.1.
Variant type: single nucleotide variant.
Coding change: c.275G>T on transcript NM_000238.4 (MANE Select); coding-DNA position 275, G replaced by T.
Protein change: p.Arg92Leu; replaces arginine 92 with leucine.
Molecular consequence: missense variant.
Genome position (GRCh38, 1-based): chr7:150,974,743, C>A on the plus strand (G>T on the coding strand, the complement: KCNH2 is on the minus strand). VCF-style: chr7-150974743-C-A. GRCh37 (hg19) VCF-style: chr7-150671831-C-A.
Other names: p.R92L:CGC>CTC; c.98G>T, p.Arg33Leu (NM_001406755.1); c.275G>T, p.Arg92Leu (NM_172056.3); short protein forms R92L, R33L.
Identifiers: ClinVar variation 200575 (VCV000200575.6), dbSNP rs794728413, ClinGen allele CA007325.

ClinVar aggregate classification (germline): Uncertain significance. Review status: criteria provided, multiple submitters, no conflicts (2 of 4 stars). 2 submissions from 2 submitters: Uncertain significance (2). Last evaluated 2024-07-29.

Conditions:
Long QT syndrome (LQTS). Identifiers: MedGen C0023976, MeSH D008133, MONDO:0002442. Disease mechanism: loss of function. Inheritance: Various modes of inheritance.

Allele frequency attached by ClinVar (database versions not stated): gnomAD exomes below 0.00001.
gnomAD v4.1: 1 of 1,603,180 alleles (0.000062%); highest among the groups gnomAD compares: Non-Finnish European, 0.000085%; no homozygotes.

Submissions (2):

All of Us Research Program, National Institutes of Health
Classification: Uncertain significance for Long QT syndrome. Last evaluated: 2024-07-29. Review status: criteria provided, single submitter. Criteria: ACMG Guidelines, 2015. Collection method: clinical testing. Allele origin: germline. Inheritance: Autosomal dominant inheritance. Observed: 1 variant allele, 1 heterozygote.
Comment: This missense variant replaces arginine with leucine at codon 92 of the KCNH2 protein. Computational prediction is inconclusive regarding the impact of this variant on protein structure and function (internally defined REVEL score threshold 0.5 < inconclusive < 0.7, PMID: 27666373). To our knowledge, functional studies have not been reported for this variant. This variant has not been reported in individuals affected with KCNH2-related disorders in the literature. This variant has been identified in 1/227278 chromosomes in the general population by the Genome Aggregation Database (gnomAD). The available evidence is insufficient to determine the role of this variant in disease conclusively. Therefore, this variant is classified as a Variant of Uncertain Significance.

This study involves interpretation of variants in research participants for the purpose of population health screening. Participant phenotype was not available at the time of variant classification. Additional details can be found in publication PMID: 35346344, PMCID: PMC8962531

GeneDx
Classification: Uncertain significance. Last evaluated: 2019-06-25. Review status: criteria provided, single submitter. Criteria: GeneDx Variant Classification Process June 2021. Collection method: clinical testing. Allele origin: germline. Affected: yes.
Comment: Has not been previously published as pathogenic or benign to our knowledge; In silico analysis, which includes protein predictors and evolutionary conservation, supports a deleterious effect; Not observed at a significant frequency in large population cohorts (Lek et al., 2016)